The following is an entry in ClinVar:

ClinVar aggregate classification (germline): Uncertain significance (1 of 4 stars; one submission).

gnomAD v4.1: 2 of 1,613,264 alleles (0.00012%); highest among the groups gnomAD compares: Admixed American, 0.0017%; no homozygotes.

Submission:

Labcorp Genetics (formerly Invitae), Labcorp
Classification: Uncertain significance. Last evaluated: 2023-08-02. Review status: criteria provided, single submitter. Criteria: Invitae Variant Classification Sherloc (09022015). Collection method: clinical testing. Allele origin: germline.
Comment: This variant is present in population databases (rs761638211, gnomAD 0.0009%). This sequence change affects codon 626 of the PLEKHM2 mRNA. It is a 'silent' change, meaning that it does not change the encoded amino acid sequence of the PLEKHM2 protein. This variant has not been reported in the literature in individuals affected with PLEKHM2-related conditions. In summary, the available evidence is currently insufficient to determine the role of this variant in disease. Therefore, it has been classified as a Variant of Uncertain Significance. Algorithms developed to predict the effect of sequence changes on RNA splicing suggest that this variant may disrupt the consensus splice site.

NM_015164.4(PLEKHM2):c.1878G>A (p.Leu626=)

Gene: PLEKHM2 (pleckstrin homology and RUN domain containing M2; plus strand). Cytogenetic location: 1p36.21.
Variant type: single nucleotide variant.
Coding change: c.1878G>A on transcript NM_015164.4 (MANE Select); coding-DNA position 1878, G replaced by A.
Protein change: p.Leu626=; no amino-acid change (leucine 626 retained).
Molecular consequence: synonymous variant.
Genome position (GRCh38, 1-based): chr1:15,728,314, G>A. VCF-style: chr1-15728314-G-A. GRCh37 (hg19) VCF-style: chr1-16054809-G-A.
Other names: c.1818G>A, p.Leu606= (NM_001410755.1).
Identifiers: ClinVar variation 2810229 (VCV002810229.3), dbSNP rs761638211, ClinGen allele CA617051.
Genomic context (GRCh38, chr1:15,728,314, plus strand): 5'-CTTCGGCCCCCAGATGATCCGGATGAGCACCGGGCACATGGAGGGCAACCTGCAGCTGCT[G>A]TACGTGCTGCTCACAGACTGCTATGTCTACCTGCTCCGGAAAGGTGCCCGCCGCCCCCGG-3'
Protein context (NP_055979.2, residues 616-636): TGHMEGNLQL[Leu626=]YVLLTDCYVY